The following is an entry in ClinVar:

ClinVar aggregate classification (germline): Uncertain significance (1 of 4 stars; one submission).

Allele frequency attached by ClinVar (database versions not stated): ExAC 0.00002.
gnomAD v4.1: 3 of 1,613,892 alleles (0.00019%); highest among the groups gnomAD compares: Admixed American, 0.005%; no homozygotes.

Submission:

Labcorp Genetics (formerly Invitae), Labcorp
Classification: Uncertain significance. Last evaluated: 2022-10-14. Review status: criteria provided, single submitter. Criteria: Invitae Variant Classification Sherloc (09022015). Collection method: clinical testing. Allele origin: germline.
Comment: This sequence change replaces proline, which is neutral and non-polar, with alanine, which is neutral and non-polar, at codon 1259 of the EPRS protein (p.Pro1259Ala). This variant is present in population databases (rs766919939, gnomAD 0.009%). This variant has not been reported in the literature in individuals affected with EPRS-related conditions. Algorithms developed to predict the effect of missense changes on protein structure and function are either unavailable or do not agree on the potential impact of this missense change (SIFT: "Deleterious"; PolyPhen-2: "Benign"; Align-GVGD: "Class C0"). In summary, the available evidence is currently insufficient to determine the role of this variant in disease. Therefore, it has been classified as a Variant of Uncertain Significance.

NM_004446.3(EPRS1):c.3775C>G (p.Pro1259Ala)

Gene: EPRS1 (glutamyl-prolyl-tRNA synthetase 1; minus strand). Cytogenetic location: 1q41.
Variant type: single nucleotide variant.
Coding change: c.3775C>G on transcript NM_004446.3 (MANE Select); coding-DNA position 3775, C replaced by G.
Protein change: p.Pro1259Ala; replaces proline 1259 with alanine.
Molecular consequence: missense variant.
Genome position (GRCh38, 1-based): chr1:219,979,552, G>C on the plus strand (C>G on the coding strand, the complement: EPRS1 is on the minus strand). VCF-style: chr1-219979552-G-C. GRCh37 (hg19) VCF-style: chr1-220152894-G-C.
Other names: short protein forms P1259A.
Identifiers: ClinVar variation 2037467 (VCV002037467.4), dbSNP rs766919939, ClinGen allele CA1399600.